The following is an entry in ClinVar:

NM_015629.4(PRPF31):c.188T>C (p.Ile63Thr)

Gene: PRPF31 (pre-mRNA processing factor 31; plus strand). Cytogenetic location: 19q13.42.
Variant type: single nucleotide variant.
Coding change: c.188T>C on transcript NM_015629.4 (MANE Select); coding-DNA position 188, T replaced by C.
Protein change: p.Ile63Thr; replaces isoleucine 63 with threonine.
Molecular consequence: missense variant.
Genome position (GRCh38, 1-based): chr19:54,118,583, T>C. VCF-style: chr19-54118583-T-C. GRCh37 (hg19) VCF-style: chr19-54621963-T-C.
Other names: short protein forms I63T.
Identifiers: ClinVar variation 1367675 (VCV001367675.8), dbSNP rs2146393989, ClinGen allele CA407790408.

ClinVar aggregate classification (germline): Uncertain significance (1 of 4 stars; one submission).

Submission:

Labcorp Genetics (formerly Invitae), Labcorp
Classification: Uncertain significance. Last evaluated: 2021-07-15. Review status: criteria provided, single submitter. Criteria: Invitae Variant Classification Sherloc (09022015). Collection method: clinical testing. Allele origin: germline.
Comment: This sequence change replaces isoleucine with threonine at codon 63 of the PRPF31 protein (p.Ile63Thr). The isoleucine residue is moderately conserved and there is a moderate physicochemical difference between isoleucine and threonine. This variant is not present in population databases (ExAC no frequency). This variant has not been reported in the literature in individuals affected with PRPF31-related conditions. Algorithms developed to predict the effect of missense changes on protein structure and function (SIFT, PolyPhen-2, Align-GVGD) all suggest that this variant is likely to be tolerated. In summary, the available evidence is currently insufficient to determine the role of this variant in disease. Therefore, it has been classified as a Variant of Uncertain Significance.